The following is an entry in ClinVar:

ClinVar aggregate classification (germline): Uncertain significance. Review status: criteria provided, multiple submitters, no conflicts (2 of 4 stars). 2 submissions from 2 submitters: Uncertain significance (2). Last evaluated 2026-03-31.

Allele frequency attached by ClinVar (database versions not stated): gnomAD exomes below 0.00001; TOPMed below 0.00001.
gnomAD v4.1: 2 of 1,613,560 alleles (0.00012%); highest among the groups gnomAD compares: Non-Finnish European, 0.00017%; no homozygotes.

Submissions (2):

Ambry Genetics
Classification: Uncertain significance. Last evaluated: 2026-03-31. Review status: criteria provided, single submitter. Criteria: Ambry Variant Classification Scheme 2023. Collection method: clinical testing. Allele origin: germline.
Comment: The p.R286W variant (also known as c.856C>T), located in coding exon 7 of the RNF43 gene, results from a C to T substitution at nucleotide position 856. The arginine at codon 286 is replaced by tryptophan, an amino acid with dissimilar properties. This amino acid position is highly conserved in available vertebrate species. In addition, this alteration is predicted to be deleterious by in silico analysis. The evidence for this gene-disease relationship is limited; therefore, the clinical significance of this variant is unclear.

Labcorp Genetics (formerly Invitae), Labcorp
Classification: Uncertain significance. Last evaluated: 2021-09-16. Review status: criteria provided, single submitter. Criteria: Invitae Variant Classification Sherloc (09022015). Collection method: clinical testing. Allele origin: germline.
Comment: This variant is not present in population databases (ExAC no frequency). This sequence change replaces arginine with tryptophan at codon 286 of the RNF43 protein (p.Arg286Trp). The arginine residue is highly conserved and there is a moderate physicochemical difference between arginine and tryptophan. This variant has not been reported in the literature in individuals affected with RNF43-related conditions. In summary, the available evidence is currently insufficient to determine the role of this variant in disease. Therefore, it has been classified as a Variant of Uncertain Significance. Algorithms developed to predict the effect of missense changes on protein structure and function (SIFT, PolyPhen-2, Align-GVGD) all suggest that this variant is likely to be disruptive.

NM_017763.6(RNF43):c.856C>T (p.Arg286Trp)

Gene: RNF43 (ring finger protein 43; minus strand). Cytogenetic location: 17q22.
Variant type: single nucleotide variant.
Coding change: c.856C>T on transcript NM_017763.6 (MANE Select); coding-DNA position 856, C replaced by T.
Protein change: p.Arg286Trp; replaces arginine 286 with tryptophan.
Molecular consequence: missense variant.
Genome position (GRCh38, 1-based): chr17:58,360,245, G>A on the plus strand (C>T on the coding strand, the complement: RNF43 is on the minus strand). VCF-style: chr17-58360245-G-A. GRCh37 (hg19) VCF-style: chr17-56437606-G-A.
Other names: c.856C>T, p.Arg286Trp (NM_001305544.3); c.475C>T, p.Arg159Trp (NM_001305545.2); c.856C>T (NM_017763.4); short protein forms R159W, R286W.
Identifiers: ClinVar variation 1426635 (VCV001426635.7), dbSNP rs886926322, ClinGen allele CA292013732.